The following is an entry in ClinVar:

ClinVar aggregate classification (germline): Uncertain significance (1 of 4 stars; one submission).

Conditions:
Symmetrical dyschromatosis of extremities (DSH). Also called: DYSCHROMATOSIS SYMMETRICA HEREDITARIA 1; RETICULATE ACROPIGMENTATION OF DOHI; SYMMETRIC DYSCHROMATOSIS OF THE EXTREMITIES; Dyschromatosis symmetrica hereditaria. Identifiers: Orphanet 41, MedGen C0406775, MONDO:0007483, OMIM 127400.
Aicardi-Goutieres syndrome 6 (AGS6). Identifiers: Orphanet 51, MedGen C3539013, MONDO:0014007, OMIM 615010.

Submission:

Labcorp Genetics (formerly Invitae), Labcorp
Classification: Uncertain significance for Aicardi-Goutieres syndrome 6; Symmetrical dyschromatosis of extremities. Last evaluated: 2024-12-05. Review status: criteria provided, single submitter. Criteria: Invitae Variant Classification Sherloc (09022015). Collection method: clinical testing. Allele origin: germline.
Comment: This sequence change replaces histidine, which is basic and polar, with tyrosine, which is neutral and polar, at codon 216 of the ADAR protein (p.His216Tyr). This variant is present in population databases (no rsID available, gnomAD 0.002%). This variant has not been reported in the literature in individuals affected with ADAR-related conditions. Experimental studies and prediction algorithms are not available or were not evaluated, and the functional significance of this variant is currently unknown. In summary, the available evidence is currently insufficient to determine the role of this variant in disease. Therefore, it has been classified as a Variant of Uncertain Significance.

NM_001111.5(ADAR):c.646C>T (p.His216Tyr)

Gene: ADAR (adenosine deaminase RNA specific; minus strand). Cytogenetic location: 1q21.3.
Variant type: single nucleotide variant.
Coding change: c.646C>T on transcript NM_001111.5 (MANE Select); coding-DNA position 646, C replaced by T.
Protein change: p.His216Tyr; replaces histidine 216 with tyrosine.
Molecular consequence: missense variant. On other transcripts: 5 prime UTR variant (6).
Genome position (GRCh38, 1-based): chr1:154,601,996, G>A on the plus strand (C>T on the coding strand, the complement: ADAR is on the minus strand). VCF-style: chr1-154601996-G-A. GRCh37 (hg19) VCF-style: chr1-154574472-G-A.
Other names: c.-240C>T (NM_001025107.3, NM_001193495.2, NM_001365046.1 and 3 more transcripts); c.673C>T, p.His225Tyr (NM_001365045.1); c.646C>T, p.His216Tyr (NM_015840.4, NM_015841.4); short protein forms H216Y, H225Y.
Identifiers: ClinVar variation 3750501 (VCV003750501.2).